The following is an entry in ClinVar:

ClinVar aggregate classification (germline): Uncertain significance (0 of 4 stars; one submission).

Conditions:
RPGRIP1L-related disorder. Also called: RPGRIP1L-related condition; RPGRIP1L-related disorders. Identifiers: MedGen CN239416.

Submission:

PreventionGenetics, part of Exact Sciences
Classification: Uncertain significance for RPGRIP1L-related condition. Last evaluated: 2024-08-21. Review status: no assertion criteria provided. Collection method: clinical testing. Allele origin: germline.
Comment: The RPGRIP1L c.928G>A variant is predicted to result in the amino acid substitution p.Gly310Arg. To our knowledge, this variant has not been reported in the literature or in a large population database, indicating this variant is rare. At this time, the clinical significance of this variant is uncertain due to the absence of conclusive functional and genetic evidence.

NM_015272.5(RPGRIP1L):c.928G>A (p.Gly310Arg)

Gene: RPGRIP1L (RPGRIP1 like; minus strand). Cytogenetic location: 16q12.2.
Variant type: single nucleotide variant.
Coding change: c.928G>A on transcript NM_015272.5 (MANE Select); coding-DNA position 928, G replaced by A.
Protein change: p.Gly310Arg; replaces glycine 310 with arginine.
Molecular consequence: missense variant.
Genome position (GRCh38, 1-based): chr16:53,672,971, C>T on the plus strand (G>A on the coding strand, the complement: RPGRIP1L is on the minus strand). VCF-style: chr16-53672971-C-T. GRCh37 (hg19) VCF-style: chr16-53706883-C-T.
Other names: c.928G>A, p.Gly310Arg (NM_001127897.4, NM_001308334.3, NM_001330538.2); short protein forms G310R.
Identifiers: ClinVar variation 3344126 (VCV003344126.1).